The following is an entry in ClinVar:

ClinVar aggregate classification (germline): Uncertain significance (1 of 4 stars; one submission).

Conditions:
Chédiak-Higashi syndrome (CHS). Also called: Chediak-Higashi Syndrome. Identifiers: Orphanet 167, MedGen C0007965, MONDO:0008963, OMIM 214500.

Submission:

Labcorp Genetics (formerly Invitae), Labcorp
Classification: Uncertain significance for Chédiak-Higashi syndrome. Last evaluated: 2025-05-21. Review status: criteria provided, single submitter. Criteria: Invitae Variant Classification Sherloc (09022015). Collection method: clinical testing. Allele origin: germline.
Comment: This sequence change replaces histidine, which is basic and polar, with leucine, which is neutral and non-polar, at codon 3232 of the LYST protein (p.His3232Leu). This variant is not present in population databases (gnomAD no frequency). This variant has not been reported in the literature in individuals affected with LYST-related conditions. Invitae Evidence Modeling of protein sequence and biophysical properties (such as structural, functional, and spatial information, amino acid conservation, physicochemical variation, residue mobility, and thermodynamic stability) indicates that this missense variant is expected to disrupt LYST protein function with a positive predictive value of 80%. In summary, the available evidence is currently insufficient to determine the role of this variant in disease. Therefore, it has been classified as a Variant of Uncertain Significance.

NM_000081.4(LYST):c.9695A>T (p.His3232Leu)

Gene: LYST (lysosomal trafficking regulator; minus strand). Cytogenetic location: 1q42.3.
Variant type: single nucleotide variant.
Coding change: c.9695A>T on transcript NM_000081.4 (MANE Select); coding-DNA position 9695, A replaced by T.
Protein change: p.His3232Leu; replaces histidine 3232 with leucine.
Molecular consequence: missense variant.
Genome position (GRCh38, 1-based): chr1:235,715,290, T>A on the plus strand (A>T on the coding strand, the complement: LYST is on the minus strand). VCF-style: chr1-235715290-T-A. GRCh37 (hg19) VCF-style: chr1-235878590-T-A.
Other names: c.9695A>T, p.His3232Leu (NM_001301365.1); short protein forms H3232L.
Identifiers: ClinVar variation 4739389 (VCV004739389.1).